The following is an entry in ClinVar:

ClinVar aggregate classification (germline): Uncertain significance (1 of 4 stars; one submission).

gnomAD v4.1: 30 of 1,614,030 alleles (0.0019%); highest among the groups gnomAD compares: African/African-American, 0.004%; no homozygotes.

Submission:

Labcorp Genetics (formerly Invitae), Labcorp
Classification: Uncertain significance. Last evaluated: 2024-09-29. Review status: criteria provided, single submitter. Criteria: Invitae Variant Classification Sherloc (09022015). Collection method: clinical testing. Allele origin: germline.
Comment: This sequence change replaces arginine, which is basic and polar, with tryptophan, which is neutral and slightly polar, at codon 1545 of the LRP6 protein (p.Arg1545Trp). This variant is present in population databases (rs750047730, gnomAD 0.005%). This variant has not been reported in the literature in individuals affected with LRP6-related conditions. Invitae Evidence Modeling of protein sequence and biophysical properties (such as structural, functional, and spatial information, amino acid conservation, physicochemical variation, residue mobility, and thermodynamic stability) indicates that this missense variant is not expected to disrupt LRP6 protein function with a negative predictive value of 80%. In summary, the available evidence is currently insufficient to determine the role of this variant in disease. Therefore, it has been classified as a Variant of Uncertain Significance.

NM_002336.3(LRP6):c.4633C>T (p.Arg1545Trp)

Gene: LRP6 (LDL receptor related protein 6; minus strand). Cytogenetic location: 12p13.2.
Variant type: single nucleotide variant.
Coding change: c.4633C>T on transcript NM_002336.3 (MANE Select); coding-DNA position 4633, C replaced by T.
Protein change: p.Arg1545Trp; replaces arginine 1545 with tryptophan.
Molecular consequence: missense variant. On other transcripts: 3 prime UTR variant (1), non-coding transcript variant (1).
Genome position (GRCh38, 1-based): chr12:12,121,335, G>A on the plus strand (C>T on the coding strand, the complement: LRP6 is on the minus strand). VCF-style: chr12-12121335-G-A. GRCh37 (hg19) VCF-style: chr12-12274269-G-A.
Other names: c.4726C>T, p.Arg1576Trp (NM_001414244.1); c.4633C>T, p.Arg1545Trp (NM_001414245.1); c.4498C>T, p.Arg1500Trp (NM_001414246.1); c.4435C>T, p.Arg1479Trp (NM_001414247.1); c.*109C>T (NM_001414248.1); c.4270C>T, p.Arg1424Trp (NM_001414251.1); c.4180C>T, p.Arg1394Trp (NM_001414252.1, NM_001414253.1, NM_001414254.1); c.4126C>T, p.Arg1376Trp (NM_001414255.1); short protein forms R1394W, R1479W, R1576W, R1376W, R1424W, R1500W, R1545W.
Identifiers: ClinVar variation 3663072 (VCV003663072.2).